The following is an entry in ClinVar:

ClinVar aggregate classification (germline): Pathogenic (1 of 4 stars; one submission).

Conditions:
Bardet-Biedl syndrome (BBS). Identifiers: Orphanet 110, MedGen C0752166, MONDO:0015229.

Submission:

Labcorp Genetics (formerly Invitae), Labcorp
Classification: Pathogenic for Bardet-Biedl syndrome. Last evaluated: 2019-04-06. Review status: criteria provided, single submitter. Criteria: Invitae Variant Classification Sherloc (09022015). Collection method: clinical testing. Allele origin: germline.
Comment: For these reasons, this variant has been classified as Pathogenic. Loss-of-function variants in BBS1 are known to be pathogenic (PMID: 12118255). This variant has not been reported in the literature in individuals with BBS1-related conditions. This variant is not present in population databases (ExAC no frequency). This sequence change creates a premature translational stop signal (p.Val230Cysfs*10) in the BBS1 gene. It is expected to result in an absent or disrupted protein product.

Literature cited by the submitters: PubMed 12118255.

NM_024649.5(BBS1):c.688del (p.Val230fs)

Gene: BBS1 (Bardet-Biedl syndrome 1; plus strand). Cytogenetic location: 11q13.2.
Variant type: Deletion.
Coding change: c.688del on transcript NM_024649.5 (MANE Select); coding-DNA position 688, one base deleted (G; older notation c.688delG).
Protein change: p.Val230fs; shifts the reading frame from valine 230.
Molecular consequence: frameshift variant.
Genome position (GRCh38, 1-based): chr11:66,519,713, G deleted; the last of 2 consecutive G bases (chr11:66,519,712-66,519,713); deleting either gives the same sequence. VCF-style (leftmost placement, unchanged base first): chr11-66519711-TG-T. GRCh37 (hg19) VCF-style: chr11-66287182-TG-T.
Other names: short protein forms V230fs.
Identifiers: ClinVar variation 952799 (VCV000952799.7), dbSNP rs1856141939, ClinGen allele CA1139662034.